The following is an entry in ClinVar:

NM_001291415.2(KDM6A):c.583G>A (p.Val195Ile)

Gene: KDM6A (lysine demethylase 6A; plus strand). Cytogenetic location: Xp11.3.
Variant type: single nucleotide variant.
Coding change: c.583G>A on transcript NM_001291415.2 (MANE Select); coding-DNA position 583, G replaced by A.
Protein change: p.Val195Ile; replaces valine 195 with isoleucine.
Molecular consequence: missense variant. On other transcripts: 5 prime UTR variant (1), non-coding transcript variant (1).
Genome position (GRCh38, 1-based): chrX:45,034,949, G>A. VCF-style: chrX-45034949-G-A. GRCh37 (hg19) VCF-style: chrX-44894194-G-A.
Other names: c.583G>A (NM_021140.2, NM_021140.3); c.583G>A, p.Val195Ile (NM_001291416.2, NM_001291417.2, NM_001291418.2 and 2 more transcripts); c.-171G>A (NM_001291421.2); short protein forms V195I.
Identifiers: ClinVar variation 2078061 (VCV002078061.6), dbSNP rs374342798, ClinGen allele CA329033284.

ClinVar aggregate classification (germline): Uncertain significance. Review status: criteria provided, multiple submitters, no conflicts (2 of 4 stars). 3 submissions from 3 submitters: Uncertain significance (3). Last evaluated 2025-09-24.

Conditions:
Inborn genetic diseases. Identifiers: MedGen C0950123, MeSH D030342.
Kabuki syndrome 2 (KABUK2). Also called: KDM6A-Related Kabuki Syndrome. Identifiers: Orphanet 2322, MedGen C3275495, MONDO:0010465, OMIM 300867.

Allele frequency attached by ClinVar (database versions not stated): gnomAD 0.00001; gnomAD exomes 0.00003; TOPMed 0.00003; ESP Exome Variant Server 0.00009.
gnomAD v4.1: 33 of 1,205,952 alleles (0.0027%); highest among the groups gnomAD compares: Non-Finnish European, 0.0034%; no homozygotes.

Submissions (3):

Labcorp Genetics (formerly Invitae), Labcorp
Classification: Uncertain significance for Kabuki syndrome 2. Last evaluated: 2025-09-24. Review status: criteria provided, single submitter. Criteria: Invitae Variant Classification Sherloc (09022015). Collection method: clinical testing. Allele origin: germline.
Comment: This sequence change replaces valine, which is neutral and non-polar, with isoleucine, which is neutral and non-polar, at codon 195 of the KDM6A protein (p.Val195Ile). This variant is not present in population databases (gnomAD no frequency). This variant has not been reported in the literature in individuals affected with KDM6A-related conditions. ClinVar contains an entry for this variant (Variation ID: 2078061). Invitae Evidence Modeling of protein sequence and biophysical properties (such as structural, functional, and spatial information, amino acid conservation, physicochemical variation, residue mobility, and thermodynamic stability) indicates that this missense variant is not expected to disrupt KDM6A protein function with a negative predictive value of 80%. In summary, the available evidence is currently insufficient to determine the role of this variant in disease. Therefore, it has been classified as a Variant of Uncertain Significance.

Fulgent Genetics
Classification: Uncertain significance for Kabuki syndrome 2. Last evaluated: 2024-02-27. Review status: criteria provided, single submitter. Criteria: ACMG Guidelines, 2015. Collection method: clinical testing. Allele origin: germline.

Ambry Genetics
Classification: Uncertain significance for Inborn genetic diseases. Last evaluated: 2024-01-08. Review status: criteria provided, single submitter. Criteria: Ambry Variant Classification Scheme 2023. Collection method: clinical testing. Allele origin: germline.